The following is an entry in ClinVar:

ClinVar aggregate classification (germline): Uncertain significance (1 of 4 stars; one submission).

Allele frequency attached by ClinVar (database versions not stated): gnomAD exomes below 0.00001; gnomAD 0.00001.
gnomAD v4.1: 3 of 1,614,058 alleles (0.00019%); highest among the groups gnomAD compares: Admixed American, 0.0017%; no homozygotes.

Submission:

Labcorp Genetics (formerly Invitae), Labcorp
Classification: Uncertain significance. Last evaluated: 2022-08-12. Review status: criteria provided, single submitter. Criteria: Invitae Variant Classification Sherloc (09022015). Collection method: clinical testing. Allele origin: germline.
Comment: This sequence change replaces glutamine, which is neutral and polar, with arginine, which is basic and polar, at codon 1153 of the VPS13D protein (p.Gln1153Arg). This variant is not present in population databases (gnomAD no frequency). This variant has not been reported in the literature in individuals affected with VPS13D-related conditions. Algorithms developed to predict the effect of missense changes on protein structure and function are either unavailable or do not agree on the potential impact of this missense change (SIFT: "Not Available"; PolyPhen-2: "Benign"; Align-GVGD: "Not Available"). In summary, the available evidence is currently insufficient to determine the role of this variant in disease. Therefore, it has been classified as a Variant of Uncertain Significance.

NM_015378.4(VPS13D):c.3458A>G (p.Gln1153Arg)

Gene: VPS13D (vacuolar protein sorting 13 homolog D; plus strand). Cytogenetic location: 1p36.22.
Variant type: single nucleotide variant.
Coding change: c.3458A>G on transcript NM_015378.4 (MANE Select); coding-DNA position 3458, A replaced by G.
Protein change: p.Gln1153Arg; replaces glutamine 1153 with arginine.
Molecular consequence: missense variant.
Genome position (GRCh38, 1-based): chr1:12,277,046, A>G. VCF-style: chr1-12277046-A-G. GRCh37 (hg19) VCF-style: chr1-12337103-A-G.
Other names: c.3458A>G, p.Gln1153Arg (NM_018156.4); short protein forms Q1153R.
Identifiers: ClinVar variation 1931874 (VCV001931874.2), dbSNP rs1569777402, ClinGen allele CA338475261.